The following is an entry in ClinVar:

NM_024675.4(PALB2):c.3455del (p.Pro1152fs)

Gene: PALB2 (partner and localizer of BRCA2; minus strand). Cytogenetic location: 16p12.2.
Variant type: Deletion.
Coding change: c.3455del on transcript NM_024675.4 (MANE Select); coding-DNA position 3455, one base deleted (C; older notation c.3455delC).
Protein change: p.Pro1152fs; shifts the reading frame from proline 1152.
Molecular consequence: frameshift variant.
Genome position (GRCh38, 1-based): chr16:23,603,565, G deleted on the plus strand (C on the coding strand, the reverse complement: PALB2 is on the minus strand); the first of 3 consecutive G bases (chr16:23,603,565-23,603,567); deleting any one gives the same sequence. VCF-style (leftmost placement, unchanged base first): chr16-23603564-TG-T. GRCh37 (hg19) VCF-style: chr16-23614885-TG-T.
Other names: c.3455delC (NM_024675.3); short protein forms P1152fs.
Identifiers: ClinVar variation 664490 (VCV000664490.3), dbSNP rs1597062083, ClinGen allele CA915949155.

ClinVar aggregate classification (germline): Pathogenic/Likely pathogenic. Review status: criteria provided, multiple submitters, no conflicts (2 of 4 stars). 2 submissions from 2 submitters: Pathogenic (1); Likely pathogenic (1). Last evaluated 2025-10-04.

Conditions:
Hereditary cancer-predisposing syndrome. Also called: Tumor predisposition; Hereditary neoplastic syndrome; Neoplastic Syndromes, Hereditary; Hereditary Cancer Syndrome. Identifiers: Orphanet 140162, MedGen C0027672, MeSH D009386, MONDO:0015356.
Familial cancer of breast. Also called: BREAST CANCER, FAMILIAL; hereditary breast carcinoma; Hereditary breast cancer. Identifiers: Orphanet 227535, MedGen C0346153, MONDO:0016419, OMIM 114480. Disease mechanism: loss of function.

Submissions (2):

Ambry Genetics
Classification: Likely pathogenic for Hereditary cancer-predisposing syndrome. Last evaluated: 2025-10-04. Review status: criteria provided, single submitter. Criteria: Ambry Variant Classification Scheme 2023. Collection method: clinical testing. Allele origin: germline.
Comment: The c.3455delC variant, located in coding exon 13 of the PALB2 gene, results from a deletion of one nucleotide at nucleotide position 3455, causing a translational frameshift with a predicted alternate stop codon (p.P1152Hfs*11). This alteration occurs at the 3' terminus of the gene, is not expected to trigger nonsense-mediated mRNA decay, and impacts the last 3% of the protein. However, premature stop codons are typically deleterious in nature and the impacted region is critical for protein function (Ambry internal data). This variant is considered to be rare based on population cohorts in the Genome Aggregation Database (gnomAD). Based on the majority of available evidence to date, this variant is likely to be pathogenic.

Labcorp Genetics (formerly Invitae), Labcorp
Classification: Pathogenic for Hereditary Breast Carcinoma. Last evaluated: 2018-10-03. Review status: criteria provided, single submitter. Criteria: Invitae Variant Classification Sherloc (09022015). Collection method: clinical testing. Allele origin: germline.
Comment: This sequence change results in a premature translational stop signal in the PALB2 gene (p.Pro1152Hisfs*11). While this is not anticipated to result in nonsense mediated decay, it is expected to disrupt the last 35 amino acids of the PALB2 protein. This variant is not present in population databases (ExAC no frequency). This variant has not been reported in the literature in individuals with PALB2-related disease. Experimental studies and prediction algorithms are not available for this variant, and the functional significance of the affected amino acid(s) is currently unknown. This variant disrupts the C-terminus of the PALB2 protein. Other variant(s) that disrupt this region (p.Tyr1183*) have been determined to be pathogenic (PMID: 17200671, 19609323). This suggests that variants that disrupt this region of the protein are likely to be causative of disease. For these reasons, this variant has been classified as Pathogenic.

Literature cited by the submitters: PubMed 17200671 (cited by Labcorp Genetics (formerly Invitae), Labcorp); PubMed 19609323 (cited by Labcorp Genetics (formerly Invitae), Labcorp).